The following is an entry in ClinVar:

NM_000506.5(F2):c.137C>G (p.Thr46Ser)

Gene: F2 (coagulation factor II, thrombin; plus strand). Cytogenetic location: 11p11.2.
Variant type: single nucleotide variant.
Coding change: c.137C>G on transcript NM_000506.5 (MANE Select); coding-DNA position 137, C replaced by G.
Protein change: p.Thr46Ser; replaces threonine 46 with serine.
Molecular consequence: missense variant.
Genome position (GRCh38, 1-based): chr11:46,719,759, C>G. VCF-style: chr11-46719759-C-G. GRCh37 (hg19) VCF-style: chr11-46741309-C-G.
Other names: short protein forms T46S.
Identifiers: ClinVar variation 3656632 (VCV003656632.2).
Genomic context (GRCh38, chr11:46,719,759, plus strand): 5'-CAGTGTTCCTGGCTCCTCAGCAAGCACGGTCGCTGCTCCAGCGGGTCCGGCGAGCCAACA[C>G]CTTCTTGGAGGAGGTGCGCAAGGGCAACCTGGAGCGAGAGTGCGTGGAGGAGACGTGCAG-3'
Protein context (NP_000497.1, residues 36-56): SLLQRVRRAN[Thr46Ser]FLEEVRKGNL

ClinVar aggregate classification (germline): Uncertain significance (1 of 4 stars; one submission).

Conditions:
Congenital prothrombin deficiency. Also called: Factor II deficiency; Inherited hypoprothrombinemia; Congenital factor II deficiency; Inherited prothrombin deficiency; HYPOPROTHROMBINEMIA; Hereditary factor II deficiency disease. Identifiers: Orphanet 325, MedGen C0272317, MONDO:0013361, OMIM 613679.

gnomAD v4.1: 3 of 1,598,088 alleles (0.00019%); no homozygotes.

Submission:

Labcorp Genetics (formerly Invitae), Labcorp
Classification: Uncertain significance for Congenital prothrombin deficiency. Last evaluated: 2025-01-27. Review status: criteria provided, single submitter. Criteria: Invitae Variant Classification Sherloc (09022015). Collection method: clinical testing. Allele origin: germline.
Comment: This sequence change replaces threonine, which is neutral and polar, with serine, which is neutral and polar, at codon 46 of the F2 protein (p.Thr46Ser). This variant is not present in population databases (gnomAD no frequency). This variant has not been reported in the literature in individuals affected with F2-related conditions. An algorithm developed to predict the effect of missense changes on protein structure and function outputs the following: PolyPhen-2: "Benign". The serine amino acid residue is found in multiple mammalian species, which suggests that this missense change does not adversely affect protein function. In summary, the available evidence is currently insufficient to determine the role of this variant in disease. Therefore, it has been classified as a Variant of Uncertain Significance.